The following is an entry in ClinVar:

NM_000278.5(PAX2):c.*28G>A

Gene: PAX2 (paired box 2; plus strand). Cytogenetic location: 10q24.31.
Variant type: single nucleotide variant.
Coding change: c.*28G>A on transcript NM_000278.5 (MANE Select); 28 bases downstream of the stop codon, G replaced by A.
Molecular consequence: 3 prime UTR variant. On other transcripts: synonymous variant (2).
Genome position (GRCh38, 1-based): chr10:100,827,647, G>A. VCF-style: chr10-100827647-G-A. GRCh37 (hg19) VCF-style: chr10-102587404-G-A.
Other names: c.*28G>A (NM_001304569.2, NM_003987.5); c.*105G>A (NM_003988.5); c.1194G>A, p.Gln398= (NM_003989.5); c.1263G>A, p.Gln421= (NM_003990.5).
Identifiers: ClinVar variation 4989779 (VCV004989779.1).
Genomic context (GRCh38, chr10:100,827,647, plus strand): 5'-GCCGCTGCTGCCGCTGCCTATGACCGCCACTAGTTACCGCGGGGACCACATCAAGCTTCA[G>A]GCCGACAGCTTCGGCCTCCACATCGTCCCCGTCTGACCCCACCCCGGAGGGAGGGAGGAC-3'

ClinVar aggregate classification (germline): Likely benign (1 of 4 stars; one submission).

Conditions:
PAX2-Related Disorder. Also called: PAX2-related disorders. Identifiers: MedGen CN381309.

gnomAD v4.1: 5 of 1,613,770 alleles (0.00031%); highest among the groups gnomAD compares: Non-Finnish European, 0.00042%; no homozygotes.

Submission:

PreventionGenetics, part of Exact Sciences
Classification: Likely benign for PAX2-related condition. Last evaluated: 2026-04-15. Review status: criteria provided, single submitter. Criteria: ACMG Guidelines, 2015. Collection method: clinical testing. Allele origin: germline.
Comment: This variant is classified as likely benign based on ACMG/AMP sequence variant interpretation guidelines (Richards et al. 2015 PMID: 25741868, with internal and published modifications).